The following is an entry in ClinVar:

NM_004415.4(DSP):c.6454G>A (p.Gly2152Arg)

Gene: DSP (desmoplakin; plus strand). Cytogenetic location: 6p24.3.
Variant type: single nucleotide variant.
Coding change: c.6454G>A on transcript NM_004415.4 (MANE Select); coding-DNA position 6454, G replaced by A.
Protein change: p.Gly2152Arg; replaces glycine 2152 with arginine.
Molecular consequence: missense variant.
Genome position (GRCh38, 1-based): chr6:7,583,716, G>A. VCF-style: chr6-7583716-G-A. GRCh37 (hg19) VCF-style: chr6-7583949-G-A.
Other names: c.4657G>A, p.Gly1553Arg (NM_001008844.3); c.5125G>A, p.Gly1709Arg (NM_001319034.2); short protein forms G1553R, G1709R, G2152R.
Identifiers: ClinVar variation 3393174 (VCV003393174.2).

ClinVar aggregate classification (germline): Uncertain significance. Review status: criteria provided, multiple submitters, no conflicts (2 of 4 stars). 2 submissions from 2 submitters: Uncertain significance (2). Last evaluated 2025-02-13.

Conditions:
Arrhythmogenic cardiomyopathy with wooly hair and keratoderma. Also called: Arrhythmogenic cardiomyopathy with woolly hair and keratoderma; Dilated cardiomyopathy with woolly hair and keratoderma; PALMOPLANTAR KERATODERMA WITH LEFT VENTRICULAR CARDIOMYOPATHY AND WOOLLY HAIR; Carvajal syndrome. Identifiers: Orphanet 65282, MedGen C1854063, MONDO:0011581, OMIM 605676.
Arrhythmogenic right ventricular dysplasia 8 (ARVD8). Also called: Arrhythmogenic Right Ventricular Dysplasia/Cardiomyopathy 8; ARRHYTHMOGENIC RIGHT VENTRICULAR DYSPLASIA, FAMILIAL, 8; ARRHYTHMOGENIC RIGHT VENTRICULAR CARDIOMYOPATHY 8. Identifiers: MedGen C1843896, MONDO:0011831, OMIM 607450.

Submissions (2):

Labcorp Genetics (formerly Invitae), Labcorp
Classification: Uncertain significance for Arrhythmogenic cardiomyopathy with wooly hair and keratoderma; Arrhythmogenic right ventricular dysplasia 8. Last evaluated: 2025-02-13. Review status: criteria provided, single submitter. Criteria: Invitae Variant Classification Sherloc (09022015). Collection method: clinical testing. Allele origin: germline.
Comment: This sequence change replaces glycine, which is neutral and non-polar, with arginine, which is basic and polar, at codon 2152 of the DSP protein (p.Gly2152Arg). This variant is not present in population databases (gnomAD no frequency). This variant has not been reported in the literature in individuals affected with DSP-related conditions. ClinVar contains an entry for this variant (Variation ID: 3393174). An algorithm developed to predict the effect of missense changes on protein structure and function (PolyPhen-2) suggests that this variant is likely to be disruptive. In summary, the available evidence is currently insufficient to determine the role of this variant in disease. Therefore, it has been classified as a Variant of Uncertain Significance.

Genomic Medicine Center of Excellence, King Faisal Specialist Hospital and Research Centre
Classification: Uncertain significance for Arrhythmogenic cardiomyopathy with wooly hair and keratoderma. Last evaluated: 2024-12-19. Review status: criteria provided, single submitter. Criteria: ACMG Guidelines, 2015. Collection method: clinical testing. Allele origin: germline.